The following is an entry in ClinVar:

ClinVar aggregate classification (germline): Conflicting classifications of pathogenicity. Review status: criteria provided, conflicting classifications (1 of 4 stars). 4 submissions from 4 submitters: Likely pathogenic (1); Uncertain significance (3). Last evaluated 2025-10-02.

Conditions:
Hereditary cancer-predisposing syndrome. Also called: Tumor predisposition; Neoplastic Syndromes, Hereditary; Hereditary Cancer Syndrome; Hereditary neoplastic syndrome. Identifiers: Orphanet 140162, MedGen C0027672, MeSH D009386, MONDO:0015356.
Ataxia-telangiectasia syndrome (AT). Also called: ATAXIA-TELANGIECTASIA, COMPLEMENTATION GROUP A; ATAXIA-TELANGIECTASIA, FRESNO VARIANT; Ataxia-telangiectasia; Ataxia-telangiectasia, complementation group D; AT, COMPLEMENTATION GROUP C; Ataxia-telangiectasia, complementation group E. Identifiers: Orphanet 100, MedGen C0004135, MONDO:0008840, OMIM 208900.

Submissions (4):

Labcorp Genetics (formerly Invitae), Labcorp
Classification: Uncertain significance for Ataxia-telangiectasia syndrome. Last evaluated: 2025-10-02. Review status: criteria provided, single submitter. Criteria: Invitae Variant Classification Sherloc (09022015). Collection method: clinical testing. Allele origin: germline.
Comment: This sequence change replaces arginine, which is basic and polar, with leucine, which is neutral and non-polar, at codon 3008 of the ATM protein (p.Arg3008Leu). This variant is not present in population databases (gnomAD no frequency). This variant has not been reported in the literature in individuals affected with ATM-related conditions. ClinVar contains an entry for this variant (Variation ID: 806734). Invitae Evidence Modeling of protein sequence and biophysical properties (such as structural, functional, and spatial information, amino acid conservation, physicochemical variation, residue mobility, and thermodynamic stability) has been performed for this missense variant. However, the output from this modeling did not meet the statistical confidence thresholds required to predict the impact of this variant on ATM protein function. This variant disrupts the p.Arg3008 amino acid residue in ATM. Other variant(s) that disrupt this residue have been determined to be pathogenic (PMID: 9872980, 10817650, 12552566, 15101044, 18573109, 19404735, 19431188, 26094658, 29752822). This suggests that this residue is clinically significant, and that variants that disrupt this residue are likely to be disease-causing. In summary, the available evidence is currently insufficient to determine the role of this variant in disease. Therefore, it has been classified as a Variant of Uncertain Significance.

Ambry Genetics
Classification: Uncertain significance for Hereditary cancer-predisposing syndrome. Last evaluated: 2024-04-15. Review status: criteria provided, single submitter. Criteria: Ambry Variant Classification Scheme 2023. Collection method: clinical testing. Allele origin: germline.
Comment: The p.R3008L variant (also known as c.9023G>T), located in coding exon 62 of the ATM gene, results from a G to T substitution at nucleotide position 9023. The arginine at codon 3008 is replaced by leucine, an amino acid with dissimilar properties. This amino acid position is highly conserved in available vertebrate species. In addition, the in silico prediction for this alteration is inconclusive. Since supporting evidence is limited at this time, the clinical significance of this alteration remains unclear.

Color Diagnostics, LLC DBA Color Health
Classification: Uncertain significance for Hereditary cancer-predisposing syndrome. Last evaluated: 2022-09-12. Review status: criteria provided, single submitter. Criteria: ACMG Guidelines, 2015. Collection method: clinical testing. Allele origin: germline.
Comment: This missense variant replaces arginine with leucine at codon 3008 of the ATM protein. Computational prediction is inconclusive regarding the impact of this variant on protein structure and function (internally defined REVEL score threshold 0.5 < inconclusive < 0.7, PMID: 27666373). To our knowledge, functional studies have not been reported for this variant. This variant has not been reported in individuals affected with hereditary cancer in the literature. This variant has not been identified in the general population by the Genome Aggregation Database (gnomAD). The available evidence is insufficient to determine the role of this variant in disease conclusively. Therefore, this variant is classified as a Variant of Uncertain Significance.

CeGaT Center for Human Genetics Tuebingen
Classification: Likely pathogenic. Last evaluated: 2019-02-01. Review status: criteria provided, single submitter. Criteria: CeGaT Center For Human Genetics Tuebingen Variant Classification Criteria Version 2. Collection method: clinical testing. Allele origin: germline. Affected: yes. Observed: 3 variant alleles.

Literature cited by the submitters: PubMed 9872980 (cited by Labcorp Genetics (formerly Invitae), Labcorp); PubMed 10817650 (cited by Labcorp Genetics (formerly Invitae), Labcorp); PubMed 12552566 (cited by Labcorp Genetics (formerly Invitae), Labcorp); PubMed 15101044 (cited by Labcorp Genetics (formerly Invitae), Labcorp); PubMed 18573109 (cited by Labcorp Genetics (formerly Invitae), Labcorp); PubMed 19404735 (cited by Labcorp Genetics (formerly Invitae), Labcorp); PubMed 19431188 (cited by Labcorp Genetics (formerly Invitae), Labcorp); PubMed 26094658 (cited by Labcorp Genetics (formerly Invitae), Labcorp); PubMed 29752822 (cited by Labcorp Genetics (formerly Invitae), Labcorp).

NM_000051.4(ATM):c.9023G>T (p.Arg3008Leu)

Genes: ATM (ATM serine/threonine kinase; plus strand), C11orf65 (chromosome 11 open reading frame 65; minus strand). Cytogenetic location: 11q22.3.
Variant type: single nucleotide variant.
Coding change: c.9023G>T on transcript NM_000051.4 (MANE Select); coding-DNA position 9023, G replaced by T.
Protein change: p.Arg3008Leu; replaces arginine 3008 with leucine.
Molecular consequence: missense variant. On other transcripts: intron variant (2).
Genome position (GRCh38, 1-based): chr11:108,365,360, G>T. VCF-style: chr11-108365360-G-T. GRCh37 (hg19) VCF-style: chr11-108236087-G-T.
Other names: c.9023G>T, p.Arg3008Leu (NM_001351834.2); c.640+20560C>A (NM_001330368.2); c.694+20560C>A (NM_001351110.2); short protein forms R3008L.
Identifiers: ClinVar variation 806734 (VCV000806734.49), dbSNP rs587781894, ClinGen allele CA382531131.
Genomic context (GRCh38, chr11:108,365,360, plus strand): 5'-GAAACCTTTGTGTTTTTGTCCTTAGTGATATTGACCAGAGTTTCAACAAAGTAGCTGAAC[G>T]TGTCTTAATGAGACTACAAGAGAAACTGAAAGGAGTGGAAGAAGGCACTGTGCTCAGTGT-3'
Protein context (NP_000042.3, residues 2998-3018): IDQSFNKVAE[Arg3008Leu]VLMRLQEKLK